The following is an entry in ClinVar:

NM_001291303.3(FAT4):c.7550T>C (p.Ile2517Thr)

Gene: FAT4 (FAT atypical cadherin 4; plus strand). Cytogenetic location: 4q28.1.
Variant type: single nucleotide variant.
Coding change: c.7550T>C on transcript NM_001291303.3 (MANE Select); coding-DNA position 7550, T replaced by C.
Protein change: p.Ile2517Thr; replaces isoleucine 2517 with threonine.
Molecular consequence: missense variant.
Genome position (GRCh38, 1-based): chr4:125,448,560, T>C. VCF-style: chr4-125448560-T-C. GRCh37 (hg19) VCF-style: chr4-126369715-T-C.
Other names: c.7550T>C, p.Ile2517Thr (NM_001291285.3); c.7544T>C, p.Ile2515Thr (NM_024582.6); short protein forms I2515T, I2517T.
Identifiers: ClinVar variation 3277885 (VCV003277885.3).

ClinVar aggregate classification (germline): Uncertain significance. Review status: criteria provided, multiple submitters, no conflicts (2 of 4 stars). 2 submissions from 2 submitters: Uncertain significance (2). Last evaluated 2026-10-26.

Conditions:
Inborn genetic diseases. Identifiers: MedGen C0950123, MeSH D030342.

gnomAD v4.1: 25 of 1,613,830 alleles (0.0015%); highest among the groups gnomAD compares: Non-Finnish European, 0.0019%; no homozygotes.

Submissions (2):

GeneDx
Classification: Uncertain significance. Last evaluated: 2026-10-26. Review status: criteria provided, single submitter. Criteria: GeneDx Variant Classification Process June 2021. Collection method: clinical testing. Allele origin: germline.
Comment: Has not been previously published as pathogenic or benign to our knowledge; Not observed at significant frequency in large population cohorts (gnomAD); In silico analysis supports that this missense variant has a deleterious effect on protein structure/function

Ambry Genetics
Classification: Uncertain significance for Inborn genetic diseases. Last evaluated: 2024-04-29. Review status: criteria provided, single submitter. Criteria: Ambry Variant Classification Scheme 2023. Collection method: clinical testing. Allele origin: germline.